The following is an entry in ClinVar:

ClinVar aggregate classification (germline): Uncertain significance (1 of 4 stars; one submission).

Conditions:
Cardiomyopathy (CMYO). Also called: Cardiomyopathies. Identifiers: Orphanet 167848, MedGen C0878544, MONDO:0004994, HP:0001638. Inheritance: Various modes of inheritance.

Submission:

Color Diagnostics, LLC DBA Color Health
Classification: Uncertain significance for Cardiomyopathy. Last evaluated: 2025-10-06. Review status: criteria provided, single submitter. Criteria: ACMG Guidelines, 2015. Collection method: clinical testing. Allele origin: germline.
Comment: This variant alters the translation initiation codon of the DSC2 mRNA. An alternate in-frame methionine downstream of the initiator methionine occurs at codon 144 in extracellular cadherin domain 1, after signal peptide and propeptide. This variant is expected to disrupt translation initiation and result in an absent or truncated protein product. To our knowledge, functional studies have not been reported for this variant. This variant has not been reported in individuals affected with DSC2-related disorders in the literature. This variant has not been identified in the general population by the Genome Aggregation Database (gnomAD). The role of truncations and other loss-of-function variants in the DSC2 gene in autosomal dominant cardiovascular disorders is not clearly understood. The available evidence is insufficient to determine the role of this variant in disease conclusively. Therefore, this variant is classified as a Variant of Uncertain Significance.

NM_024422.6(DSC2):c.2T>C (p.Met1Thr)

Genes: DSC2 (desmocollin 2; minus strand), DSCAS (DSC1/DSC2 antisense RNA; plus strand). Cytogenetic location: 18q12.1.
Variant type: single nucleotide variant.
Coding change: c.2T>C on transcript NM_024422.6 (MANE Select); coding-DNA position 2, T replaced by C.
Protein change: p.Met1Thr; changes the start codon (methionine 1).
Molecular consequence: missense variant, initiator codon variant.
Genome position (GRCh38, 1-based): chr18:31,101,970, A>G on the plus strand (T>C on the coding strand, the complement: DSC2 is on the minus strand). VCF-style: chr18-31101970-A-G. GRCh37 (hg19) VCF-style: chr18-28681933-A-G.
Other names: c.2T>C, p.Met1Thr (NM_004949.5); short protein forms M1T.
Identifiers: ClinVar variation 4758190 (VCV004758190.1).